The following is an entry in ClinVar:

ClinVar aggregate classification (germline): Likely benign. Review status: reviewed by expert panel (3 of 4 stars). 5 submissions from 5 submitters: Likely benign (1). 4 of the submissions do not count toward it. Last evaluated 2023-08-18.

Conditions:
CDH1-related diffuse gastric and lobular breast cancer syndrome. Also called: CDH1-related diffuse gastric and lobular breast cancer. Identifiers: MedGen CN311521, MONDO:0100488.
Hereditary cancer-predisposing syndrome. Also called: Tumor predisposition; Neoplastic Syndromes, Hereditary; Hereditary Cancer Syndrome; Hereditary neoplastic syndrome. Identifiers: Orphanet 140162, MedGen C0027672, MeSH D009386, MONDO:0015356.
Hereditary diffuse gastric adenocarcinoma (HDGC). Also called: DIFFUSE GASTRIC AND LOBULAR BREAST CANCER SYNDROME. Identifiers: Orphanet 26106, MedGen C1708349, MONDO:0007648, OMIM 137215.

gnomAD v4.1: 24 of 1,537,514 alleles (0.0016%); highest among the groups gnomAD compares: South Asian, 0.027%; no homozygotes.

Submissions (5):

Clingen Gastric Cancer Variant Curation Expert Panel
Classification: Likely benign for CDH1-related diffuse gastric and lobular breast cancer syndrome. Last evaluated: 2023-08-18. Review status: reviewed by expert panel. Criteria: ClinGen CDH1 ACMG Specifications V3.1. Collection method: curation. Allele origin: germline. Inheritance: Autosomal dominant inheritance.
Comment: The c.48+5C>T variant was observed in at least 3 families without a personal and/or family history of diffuse gastric cancer, lobular breast cancer or a signet ring cell tumor (BP2_Supporting; internal data). There are at least 3 in silico predictors in agreement that this variant does not affect splicing (BP4). Therefore, this variant meets criteria to be classified as likely benign. ACMG/AMP criteria applied, as specified by the CDH1 Variant Curation Expert Panel (Variant Interpretation Guidelines Version 3.1): BS2_Supporting, BP4.

Labcorp Genetics (formerly Invitae), Labcorp
Classification: Uncertain significance for Hereditary diffuse gastric adenocarcinoma. Last evaluated: 2025-01-17. Review status: criteria provided, single submitter. Criteria: Invitae Variant Classification Sherloc (09022015). Collection method: clinical testing. Allele origin: germline. Not counted in ClinVar's aggregate classification.
Comment: This sequence change falls in intron 1 of the CDH1 gene. It does not directly change the encoded amino acid sequence of the CDH1 protein. It affects a nucleotide within the consensus splice site. This variant is present in population databases (rs77312180, gnomAD 0.009%). This variant has not been reported in the literature in individuals affected with CDH1-related conditions. ClinVar contains an entry for this variant (Variation ID: 491543). Variants that disrupt the consensus splice site are a relatively common cause of aberrant splicing (PMID: 17576681, 9536098). Algorithms developed to predict the effect of sequence changes on RNA splicing suggest that this variant is not likely to affect RNA splicing. In summary, the available evidence is currently insufficient to determine the role of this variant in disease. Therefore, it has been classified as a Variant of Uncertain Significance.

Ambry Genetics
Classification: Likely benign for Hereditary cancer-predisposing syndrome. Last evaluated: 2021-11-03. Review status: criteria provided, single submitter. Criteria: Ambry Variant Classification Scheme 2023. Collection method: clinical testing. Allele origin: germline. Not counted in ClinVar's aggregate classification.

GeneDx
Classification: Likely benign. Last evaluated: 2017-04-19. Review status: criteria provided, single submitter. Criteria: GeneDx Variant Classification (06012015). Collection method: clinical testing. Allele origin: germline. Affected: yes. Not counted in ClinVar's aggregate classification.
Comment: This variant is considered likely benign or benign based on one or more of the following criteria: it is a conservative change, it occurs at a poorly conserved position in the protein, it is predicted to be benign by multiple in silico algorithms, and/or has population frequency not consistent with disease.

Color Diagnostics, LLC DBA Color Health
Classification: Likely benign for Hereditary cancer-predisposing syndrome. Last evaluated: 2016-10-07. Review status: criteria provided, single submitter. Criteria: ACMG Guidelines, 2015. Collection method: clinical testing. Allele origin: germline. Not counted in ClinVar's aggregate classification.

Literature cited by the submitters: PubMed 17576681 (cited by Labcorp Genetics (formerly Invitae), Labcorp); PubMed 9536098 (cited by Labcorp Genetics (formerly Invitae), Labcorp).

NM_004360.5(CDH1):c.48+5C>T

Gene: CDH1 (cadherin 1; plus strand). Cytogenetic location: 16q22.1.
Variant type: single nucleotide variant.
Coding change: c.48+5C>T on transcript NM_004360.5 (MANE Select); 5 bases into the intron after coding-DNA position 48, C replaced by T.
Molecular consequence: intron variant.
Genome position (GRCh38, 1-based): chr16:68,737,468, C>T. VCF-style: chr16-68737468-C-T. GRCh37 (hg19) VCF-style: chr16-68771371-C-T.
Other names: c.48+5C>T (LRG_301t1, NM_001317184.2); c.-1568+5C>T (NM_001317185.2); c.-1772+5C>T (NM_001317186.2).
Identifiers: ClinVar variation 491543 (VCV000491543.18), dbSNP rs77312180, ClinGen allele CA8129781.